The following is an entry in ClinVar:

ClinVar aggregate classification (germline): Likely benign (1 of 4 stars; one submission).

Submission:

CeGaT Center for Human Genetics Tuebingen
Classification: Likely benign. Last evaluated: 2025-04-01. Review status: criteria provided, single submitter. Criteria: CeGaT Center For Human Genetics Tuebingen Variant Classification Criteria Version 2. Collection method: clinical testing. Allele origin: germline. Affected: yes. Observed: 1 variant allele.
Comment: CYP2U1: PM2:Supporting, BP4, BP7

NM_183075.3(CYP2U1):c.1594T>C (p.Leu532=)

Gene: CYP2U1 (cytochrome P450 family 2 subfamily U member 1; plus strand). Cytogenetic location: 4q25.
Variant type: single nucleotide variant.
Coding change: c.1594T>C on transcript NM_183075.3 (MANE Select); coding-DNA position 1594, T replaced by C.
Protein change: p.Leu532=; no amino-acid change (leucine 532 retained).
Molecular consequence: synonymous variant.
Genome position (GRCh38, 1-based): chr4:107,950,382, T>C. VCF-style: chr4-107950382-T-C. GRCh37 (hg19) VCF-style: chr4-108871538-T-C.
Identifiers: ClinVar variation 3898696 (VCV003898696.7).